The following is an entry in ClinVar:

NM_001077365.2(POMT1):c.768A>T (p.Leu256Phe)

Gene: POMT1 (protein O-mannosyltransferase 1; plus strand). Cytogenetic location: 9q34.13.
Variant type: single nucleotide variant.
Coding change: c.768A>T on transcript NM_001077365.2 (MANE Select); coding-DNA position 768, A replaced by T.
Protein change: p.Leu256Phe; replaces leucine 256 with phenylalanine.
Molecular consequence: missense variant. On other transcripts: 5 prime UTR variant (1), non-coding transcript variant (10).
Genome position (GRCh38, 1-based): chr9:131,510,328, A>T. VCF-style: chr9-131510328-A-T. GRCh37 (hg19) VCF-style: chr9-134385715-A-T.
Other names: c.606A>T, p.Leu202Phe (NM_001077366.2, NM_001353194.2, NM_001374693.1); c.768A>T, p.Leu256Phe (NM_001136113.2, NM_001374690.1); c.417A>T, p.Leu139Phe (NM_001136114.2, NM_001353195.2, NM_001374691.1 and 1 more transcripts); c.834A>T, p.Leu278Phe (NM_001353193.2, NM_007171.4); c.678A>T, p.Leu226Phe (NM_001353196.2); c.672A>T, p.Leu224Phe (NM_001353197.2, NM_001353198.2); c.483A>T, p.Leu161Phe (NM_001353199.2); c.312A>T, p.Leu104Phe (NM_001353200.2); and 3 more; short protein forms L104F, L126F, L139F, L161F, L202F, L224F, L226F, L256F.
Identifiers: ClinVar variation 3751782 (VCV003751782.2).
Genomic context (GRCh38, chr9:131,510,328, plus strand): 5'-GTTCTGTCACTTGCTCGCCCGAGCAGTGGCTTTGCTGGTCATCCCGGTCGTCCTGTACTT[A>T]CTGTTCTTCTACGTCCACTTGATTCTAGTCTTCCGCTCTGGGCCCCACGACCAAATCATG-3'
Protein context (NP_001070833.1, residues 246-266): ALLVIPVVLY[Leu256Phe]LFFYVHLILV

ClinVar aggregate classification (germline): Uncertain significance (1 of 4 stars; one submission).

Conditions:
Muscular dystrophy-dystroglycanopathy (congenital with impaired intellectual development), type B, 1. Also called: MUSCULAR DYSTROPHY, CONGENITAL, POMT1-RELATED; Muscular dystrophy-dystroglycanopathy (congenital with intellectual disability), type B1. Identifiers: MedGen C5436962, MONDO:0013159, OMIM 613155.
Walker-Warburg congenital muscular dystrophy. Also called: Muscular dystrophy-dystroglycanopathy, type A; Walker-Warburg syndrome. Identifiers: Orphanet 899, MedGen C0265221, MONDO:0000171.
Autosomal recessive limb-girdle muscular dystrophy type 2K. Also called: MUSCULAR DYSTROPHY-DYSTROGLYCANOPATHY (LIMB-GIRDLE), TYPE C, 1; MUSCULAR DYSTROPHY, LIMB-GIRDLE, TYPE 2K. Identifiers: Orphanet 86812, MedGen C1836373, MONDO:0012248, OMIM 609308.

Submission:

Labcorp Genetics (formerly Invitae), Labcorp
Classification: Uncertain significance for Muscular dystrophy-dystroglycanopathy (congenital with impaired intellectual development), type B, 1; Walker-Warburg congenital muscular dystrophy; Autosomal recessive limb-girdle muscular dystrophy type 2K. Last evaluated: 2025-01-06. Review status: criteria provided, single submitter. Criteria: Invitae Variant Classification Sherloc (09022015). Collection method: clinical testing. Allele origin: germline.
Comment: This sequence change replaces leucine, which is neutral and non-polar, with phenylalanine, which is neutral and non-polar, at codon 278 of the POMT1 protein (p.Leu278Phe). This variant is not present in population databases (gnomAD no frequency). This variant has not been reported in the literature in individuals affected with POMT1-related conditions. Invitae Evidence Modeling of protein sequence and biophysical properties (such as structural, functional, and spatial information, amino acid conservation, physicochemical variation, residue mobility, and thermodynamic stability) indicates that this missense variant is not expected to disrupt POMT1 protein function with a negative predictive value of 95%. In summary, the available evidence is currently insufficient to determine the role of this variant in disease. Therefore, it has been classified as a Variant of Uncertain Significance.